The following is an entry in ClinVar:

ClinVar aggregate classification (germline): Uncertain significance. Review status: criteria provided, multiple submitters, no conflicts (2 of 4 stars). 2 submissions from 2 submitters: Uncertain significance (2). Last evaluated 2024-10-23.

gnomAD v4.1: 10 of 1,611,516 alleles (0.00062%); highest among the groups gnomAD compares: East Asian, 0.0045%; no homozygotes.

Submissions (2):

Labcorp Genetics (formerly Invitae), Labcorp
Classification: Uncertain significance. Last evaluated: 2024-10-23. Review status: criteria provided, single submitter. Criteria: Invitae Variant Classification Sherloc (09022015). Collection method: clinical testing. Allele origin: germline.
Comment: This sequence change replaces glycine, which is neutral and non-polar, with serine, which is neutral and polar, at codon 371 of the EDNRB protein (p.Gly371Ser). This variant is present in population databases (rs202153354, gnomAD 0.005%). This missense change has been observed in individual(s) with EDNRB-related conditions (PMID: 35790984). Invitae Evidence Modeling of protein sequence and biophysical properties (such as structural, functional, and spatial information, amino acid conservation, physicochemical variation, residue mobility, and thermodynamic stability) indicates that this missense variant is not expected to disrupt EDNRB protein function with a negative predictive value of 80%. In summary, the available evidence is currently insufficient to determine the role of this variant in disease. Therefore, it has been classified as a Variant of Uncertain Significance.

Blueprint Genetics
Classification: Uncertain significance. Last evaluated: 2019-07-18. Review status: criteria provided, single submitter. Criteria: ACMG Guidelines, 2015. Collection method: clinical testing. Allele origin: germline.

Literature cited by the submitters: PubMed 35790984 (cited by Labcorp Genetics (formerly Invitae), Labcorp).

NM_001122659.3(EDNRB):c.1111G>A (p.Gly371Ser)

Genes: EDNRB (endothelin receptor type B; minus strand), EDNRB-AS1 (EDNRB antisense RNA 1; plus strand). Cytogenetic location: 13q22.3.
Variant type: single nucleotide variant.
Coding change: c.1111G>A on transcript NM_001122659.3 (MANE Select); coding-DNA position 1111, G replaced by A.
Protein change: p.Gly371Ser; replaces glycine 371 with serine.
Molecular consequence: missense variant.
Genome position (GRCh38, 1-based): chr13:77,899,942, C>T on the plus strand (G>A on the coding strand, the complement: EDNRB is on the minus strand). VCF-style: chr13-77899942-C-T. GRCh37 (hg19) VCF-style: chr13-78474077-C-T.
Other names: c.1111G>A, p.Gly371Ser (NM_000115.5, NM_003991.4); c.1381G>A, p.Gly461Ser (NM_001201397.2); short protein forms G371S, G461S.
Identifiers: ClinVar variation 3704443 (VCV003704443.3).